The following is an entry in ClinVar:

NM_005535.3(IL12RB1):c.946del (p.Val316fs)

Gene: IL12RB1 (interleukin 12 receptor subunit beta 1; minus strand). Cytogenetic location: 19p13.11.
Variant type: Deletion.
Coding change: c.946del on transcript NM_005535.3 (MANE Select); coding-DNA position 946, one base deleted (G; older notation c.946delG).
Protein change: p.Val316fs; shifts the reading frame from valine 316.
Molecular consequence: frameshift variant.
Genome position (GRCh38, 1-based): chr19:18,072,187, C deleted on the plus strand (G on the coding strand, the reverse complement: IL12RB1 is on the minus strand). VCF-style (leftmost placement, unchanged base first): chr19-18072186-AC-A. GRCh37 (hg19) VCF-style: chr19-18182996-AC-A.
Other names: c.946del, p.Val316fs (NM_001290023.2, NM_153701.3); c.1066delG, p.Val356Trpfs (NM_001290024.2); short protein forms V316fs, V356fs.
Identifiers: ClinVar variation 2908739 (VCV002908739.3), dbSNP rs1247491045, ClinGen allele CA632136747.
Genomic context (GRCh38, chr19:18,072,186, plus strand): 5'-GCAGGAATGTGCCACGTCTGGTTCAGGCCAGGACCAAATTGGTTCGAGGAGATGACAGCC[AC>A]GTTGTAGGCAGCACCCGAGAGATAGGGCATCTTCCCCAGGTGCAGGGTCCTGGTGGCCTT-3'

ClinVar aggregate classification (germline): Pathogenic (1 of 4 stars; one submission).

Conditions:
Mendelian susceptibility to mycobacterial diseases due to complete IL12RB1 deficiency. Also called: Immunodeficiency 30; IL12RB1 DEFICIENCY. Identifiers: Orphanet 319552, MedGen C4013949, MONDO:0013955, OMIM 614891.

Allele frequency attached by ClinVar (database versions not stated): gnomAD exomes below 0.00001; gnomAD 0.00002; TOPMed 0.00002.

Submission:

Labcorp Genetics (formerly Invitae), Labcorp
Classification: Pathogenic for Mendelian susceptibility to mycobacterial diseases due to complete IL12RB1 deficiency. Last evaluated: 2022-10-28. Review status: criteria provided, single submitter. Criteria: Invitae Variant Classification Sherloc (09022015). Collection method: clinical testing. Allele origin: germline.
Comment: For these reasons, this variant has been classified as Pathogenic. This variant has not been reported in the literature in individuals affected with IL12RB1-related conditions. This variant is present in population databases (no rsID available, gnomAD 0.002%). This sequence change creates a premature translational stop signal (p.Val316Trpfs*13) in the IL12RB1 gene. It is expected to result in an absent or disrupted protein product. Loss-of-function variants in IL12RB1 are known to be pathogenic (PMID: 9603733, 12591909).

Literature cited by the submitters: PubMed 9603733; PubMed 12591909.